The following is an entry in ClinVar:

NM_000321.3(RB1):c.381-13C>T

Gene: RB1 (RB transcriptional corepressor 1; plus strand). Cytogenetic location: 13q14.2.
Variant type: single nucleotide variant.
Coding change: c.381-13C>T on transcript NM_000321.3 (MANE Select); 13 bases into the intron before coding-DNA position 381, C replaced by T.
Molecular consequence: intron variant.
Genome position (GRCh38, 1-based): chr13:48,345,067, C>T. VCF-style: chr13-48345067-C-T. GRCh37 (hg19) VCF-style: chr13-48919203-C-T.
Other names: c.381-13C>T (NM_001407165.1, NM_001407166.1).
Identifiers: ClinVar variation 3072128 (VCV003072128.1), dbSNP rs1207100014, ClinGen allele CA609871346.

ClinVar aggregate classification (germline): Likely benign (1 of 4 stars; one submission).

Conditions:
Retinoblastoma (RB1). Also called: RETINOBLASTOMA, SOMATIC. Identifiers: Orphanet 790, MedGen C0035335, MeSH D012175, MONDO:0008380, OMIM 180200, HP:0009919. Disease mechanism: loss of function. Inheritance: Both sporadic and heritable forms are tested..

Allele frequency attached by ClinVar (database versions not stated): gnomAD exomes below 0.00001.
gnomAD v4.1: 1 of 1,605,936 alleles (0.000062%); highest among the groups gnomAD compares: Non-Finnish European, 0.000085%; no homozygotes.

Submission:

All of Us Research Program, National Institutes of Health
Classification: Likely benign for Retinoblastoma. Last evaluated: 2023-06-26. Review status: criteria provided, single submitter. Criteria: ACMG Guidelines, 2015. Collection method: clinical testing. Allele origin: germline. Inheritance: Autosomal dominant inheritance. Observed: 1 variant allele, 1 heterozygote.
Comment: This study involves interpretation of variants in research participants for the purpose of population health screening. Participant phenotype was not available at the time of variant classification. Additional details can be found in publication PMID: 35346344, PMCID: PMC8962531